The following is an entry in ClinVar:

NM_001184900.3(CARD8):c.1085C>T (p.Ser362Leu)

Gene: CARD8 (caspase recruitment domain family member 8; minus strand). Cytogenetic location: 19q13.33.
Variant type: single nucleotide variant.
Coding change: c.1085C>T on transcript NM_001184900.3 (MANE Select); coding-DNA position 1085, C replaced by T.
Protein change: p.Ser362Leu; replaces serine 362 with leucine.
Molecular consequence: missense variant. On other transcripts: non-coding transcript variant (3).
Genome position (GRCh38, 1-based): chr19:48,221,806, G>A on the plus strand (C>T on the coding strand, the complement: CARD8 is on the minus strand). VCF-style: chr19-48221806-G-A. GRCh37 (hg19) VCF-style: chr19-48725063-G-A.
Other names: c.935C>T, p.Ser312Leu (NM_001184901.1, NM_001351783.2, NM_001351788.2 and 2 more transcripts); c.1085C>T, p.Ser362Leu (NM_001184902.2, NM_001184903.1, NM_001351782.2); c.770C>T, p.Ser257Leu (NM_001351784.2, NM_001351787.2, NM_001351791.2 and 1 more transcripts); c.749C>T, p.Ser250Leu (NM_001351786.2); c.842C>T, p.Ser281Leu (NM_001351790.2); c.767C>T, p.Ser256Leu (NM_001365950.1); c.1085C>T (NM_001184900.1); short protein forms S250L, S256L, S257L, S281L, S312L, S362L.
Identifiers: ClinVar variation 2420235 (VCV002420235.7), dbSNP rs764264265, ClinGen allele CA9547799.
Genomic context (GRCh38, chr19:48,221,806, plus strand): 5'-AGGTTAGCAGAATTAGACACAATATAACTGGAACCAAAGTTCAGGGGTTCCATTGGGGGC[G>A]AAGTCTGCAGGCGCACACCATGGAAGCGATCTTCCTCATCATCTATCGCCTAAGGAAGAA-3'
Protein context (NP_001171829.1, residues 352-372): DRFHGVRLQT[Ser362Leu]PPMEPLNFGS

ClinVar aggregate classification (germline): Uncertain significance. Review status: criteria provided, multiple submitters, no conflicts (2 of 4 stars). 2 submissions from 2 submitters: Uncertain significance (2). Last evaluated 2025-10-29.

Conditions:
CARD8-related disorder. Also called: CARD8-related condition.

Allele frequency attached by ClinVar (database versions not stated): gnomAD 0.00002; gnomAD exomes 0.00002; ExAC 0.00003; TOPMed 0.00003.
gnomAD v4.1: 26 of 1,610,220 alleles (0.0016%); highest among the groups gnomAD compares: Admixed American, 0.0083%; no homozygotes.

Submissions (2):

PreventionGenetics, part of Exact Sciences
Classification: Uncertain significance for CARD8-related condition. Last evaluated: 2025-10-29. Review status: criteria provided, single submitter. Criteria: ACMG Guidelines, 2015. Collection method: clinical testing. Allele origin: germline.
Comment: The CARD8 c.1085C>T variant is predicted to result in the amino acid substitution p.Ser362Leu. To our knowledge, this variant has not been reported in the literature. This variant is reported in 0.0085% of alleles in individuals of Latino descent in gnomAD. At this time, the clinical significance of this variant is uncertain due to the absence of conclusive functional and genetic evidence.

Labcorp Genetics (formerly Invitae), Labcorp
Classification: Uncertain significance. Last evaluated: 2025-10-02. Review status: criteria provided, single submitter. Criteria: Invitae Variant Classification Sherloc (09022015). Collection method: clinical testing. Allele origin: germline.
Comment: This sequence change replaces serine, which is neutral and polar, with leucine, which is neutral and non-polar, at codon 312 of the CARD8 protein (p.Ser312Leu). This variant is present in population databases (rs764264265, gnomAD 0.009%). This variant has not been reported in the literature in individuals affected with CARD8-related conditions. ClinVar contains an entry for this variant (Variation ID: 2420235). An algorithm developed to predict the effect of missense changes on protein structure and function (PolyPhen-2) suggests that this variant is likely to be disruptive. In summary, the available evidence is currently insufficient to determine the role of this variant in disease. Therefore, it has been classified as a Variant of Uncertain Significance.